The following is an entry in ClinVar:

ClinVar aggregate classification (germline): Uncertain significance (1 of 4 stars; one submission).

Conditions:
Amyloidosis, hereditary systemic 1 (AMYLD1). Also called: Familial amyloid polyneuropathy; Transthyretin Amyloidosis; Hereditary oculoleptomeningeal amyloid angiopathy; Familial Transthyretin Amyloidosis; Isolated Cardiac Amyloidosis; Amyloid Cardiomyopathy, Transthyretin-related. Identifiers: Orphanet 85447, Orphanet 85451, MedGen C2751492, MONDO:0971004, OMIM 105210.

Allele frequency attached by ClinVar (database versions not stated): TOPMed below 0.00001.
gnomAD v4.1: 1 of 1,614,090 alleles (0.000062%); highest among the groups gnomAD compares: Admixed American, 0.0017%; no homozygotes.

Submission:

Labcorp Genetics (formerly Invitae), Labcorp
Classification: Uncertain significance for Amyloidosis, hereditary systemic 1. Last evaluated: 2022-09-07. Review status: criteria provided, single submitter. Criteria: Invitae Variant Classification Sherloc (09022015). Collection method: clinical testing. Allele origin: germline.
Comment: In summary, the available evidence is currently insufficient to determine the role of this variant in disease. Therefore, it has been classified as a Variant of Uncertain Significance. Algorithms developed to predict the effect of sequence changes on RNA splicing suggest that this variant may create or strengthen a splice site. This variant has not been reported in the literature in individuals affected with TTR-related conditions. This variant is not present in population databases (gnomAD no frequency). This sequence change affects codon 113 of the TTR mRNA. It is a 'silent' change, meaning that it does not change the encoded amino acid sequence of the TTR protein.

NM_000371.4(TTR):c.339G>A (p.Val113=)

Gene: TTR (transthyretin; plus strand). Cytogenetic location: 18q12.1.
Variant type: single nucleotide variant.
Coding change: c.339G>A on transcript NM_000371.4 (MANE Select); coding-DNA position 339, G replaced by A.
Protein change: p.Val113=; no amino-acid change (valine 113 retained).
Molecular consequence: synonymous variant.
Genome position (GRCh38, 1-based): chr18:31,598,570, G>A. VCF-style: chr18-31598570-G-A. GRCh37 (hg19) VCF-style: chr18-29178533-G-A.
Identifiers: ClinVar variation 2181963 (VCV002181963.4), dbSNP rs1567946955, ClinGen allele CA503610818.